The following is an entry in ClinVar:

ClinVar aggregate classification (germline): Likely pathogenic (1 of 4 stars; one submission).

Conditions:
Joubert syndrome 31. Identifiers: MedGen C4540355, MONDO:0033310, OMIM 617761.
Short-rib thoracic dysplasia 13 with or without polydactyly (SRTD13). Identifiers: Orphanet 474, MedGen C4225378, MONDO:0014577, OMIM 616300.

Submission:

First Genomix Gene Laboratory, Genetic Diagnostics Department
Classification: Likely pathogenic for Joubert syndrome 31; Short-rib thoracic dysplasia 13 with or without polydactyly. Last evaluated: 2025-03-24. Review status: criteria provided, single submitter. Criteria: ACMG Guidelines, 2015. Collection method: clinical testing. Allele origin: germline. Inheritance: Autosomal recessive inheritance. Affected: no. Observed: 1 variant allele.

NM_001375405.1(CEP120):c.85del (p.Leu28_Val29insTer)

Gene: CEP120 (centrosomal protein 120; minus strand). Cytogenetic location: 5q23.2.
Variant type: Deletion.
Coding change: c.85del on transcript NM_001375405.1 (MANE Select); coding-DNA position 85, one base deleted (G; older notation c.85delG).
Protein change: p.Leu28_Val29insTer.
Molecular consequence: nonsense. On other transcripts: 5 prime UTR variant (2), non-coding transcript variant (1).
Genome position (GRCh38, 1-based): chr5:123,418,480, C deleted on the plus strand (G on the coding strand, the reverse complement: CEP120 is on the minus strand). VCF-style (leftmost placement, unchanged base first): chr5-123418479-AC-A. GRCh37 (hg19) VCF-style: chr5-122754173-AC-A.
Other names: c.7del, p.Leu2_Val3insTer (NM_001166226.2); c.85del, p.Leu28_Val29insTer (NM_001375406.1, NM_001375407.1, NM_153223.4); c.-664del (NM_001375408.1); c.-606del (NM_001375409.1); c.85delG (NM_153223.4).
Identifiers: ClinVar variation 4845802 (VCV004845802.1).